The following is an entry in ClinVar:

NM_015335.5(MED13L):c.2097G>A (p.Leu699=)

Gene: MED13L (mediator complex subunit 13L; minus strand). Cytogenetic location: 12q24.21.
Variant type: single nucleotide variant.
Coding change: c.2097G>A on transcript NM_015335.5 (MANE Select); coding-DNA position 2097, G replaced by A.
Protein change: p.Leu699=; no amino-acid change (leucine 699 retained).
Molecular consequence: synonymous variant.
Genome position (GRCh38, 1-based): chr12:116,007,552, C>T on the plus strand (G>A on the coding strand, the complement: MED13L is on the minus strand). VCF-style: chr12-116007552-C-T. GRCh37 (hg19) VCF-style: chr12-116445357-C-T.
Identifiers: ClinVar variation 2142304 (VCV002142304.7), dbSNP rs779974031, ClinGen allele CA6811245.
Genomic context (GRCh38, chr12:116,007,552, plus strand): 5'-TTCAAAGGTATATGGGTCATTCACTTCTCCCAAACTGTCTCCAGGTTGTTGTGATAGAGG[C>T]AATGGGTCAAGGAAGTGGAGTGGCTGCAACTGGGGCTGTTTGTCTTGCCAGATTTTAAAC-3'
Protein context (NP_056150.1, residues 689-709): QLQPLHFLDP[Leu699=]PLSQQPGDSL

ClinVar aggregate classification (germline): Likely benign. Review status: criteria provided, multiple submitters, no conflicts (2 of 4 stars). 3 submissions from 3 submitters: Likely benign (3). Last evaluated 2026-06-01.

Conditions:
Dextro-looped transposition of the great arteries. Also called: Dextrotransposition of the great arteries. Identifiers: Orphanet 860, MedGen C3531771, MONDO:0019443, OMIM 608808, HP:0031348.

Allele frequency attached by ClinVar (database versions not stated): gnomAD 0.00001; gnomAD exomes 0.00002; ExAC 0.00005.
gnomAD v4.1: 28 of 1,607,790 alleles (0.0017%); highest among the groups gnomAD compares: East Asian, 0.0045%; no homozygotes.

Submissions (3):

CeGaT Center for Human Genetics Tuebingen
Classification: Likely benign. Last evaluated: 2026-06-01. Review status: criteria provided, single submitter. Criteria: CeGaT Center For Human Genetics Tuebingen Variant Classification Criteria Version 2. Collection method: clinical testing. Allele origin: germline. Affected: yes. Observed: 2 variant alleles.
Comment: MED13L: BP4, BP7

Blueprint Genetics
Classification: Likely benign. Last evaluated: 2024-09-05. Review status: criteria provided, single submitter. Criteria: ACMG Guidelines, 2015. Collection method: clinical testing. Allele origin: germline.

Labcorp Genetics (formerly Invitae), Labcorp
Classification: Likely benign for Dextro-looped transposition of the great arteries. Last evaluated: 2022-11-28. Review status: criteria provided, single submitter. Criteria: Invitae Variant Classification Sherloc (09022015). Collection method: clinical testing. Allele origin: germline.